The following is an entry in ClinVar:

NM_024675.4(PALB2):c.3473_3476dup (p.Trp1159Ter)

Gene: PALB2 (partner and localizer of BRCA2; minus strand). Cytogenetic location: 16p12.2.
Variant type: Duplication.
Coding change: c.3473_3476dup on transcript NM_024675.4 (MANE Select); coding-DNA positions 3473 to 3476, 4 bases duplicated (ATTG; older notation c.3473_3476dupATTG).
Protein change: p.Trp1159Ter; replaces tryptophan 1159 with a stop codon.
Molecular consequence: nonsense.
Genome position (GRCh38, 1-based): chr16:23,603,544-23,603,547, CAAT duplicated on the plus strand (ATTG on the coding strand, the reverse complement: PALB2 is on the minus strand). VCF-style (leftmost placement, unchanged base first): chr16-23603543-C-CCAAT. GRCh37 (hg19) VCF-style: chr16-23614864-C-CCAAT.
Other names: c.3473_3476dupATTG (NM_024675.3); short protein forms W1159*.
Identifiers: ClinVar variation 230664 (VCV000230664.5), dbSNP rs876658695, ClinGen allele CA10579912.
Genomic context (GRCh38, chr16:23,603,543, plus strand): 5'-ATTTCCATCTTTTTGTCCAGCCAGCAAATGAGAGTCTGTACCCGACCATTTCACAAAAGA[C>CCAAT]CAATGTTGGTCAGAGACAGGTGGGAGGAGGGCAGTACACTGACCGAGAAGTAAGTCCCAA-3'

ClinVar aggregate classification (germline): Pathogenic (1 of 4 stars; one submission).

Conditions:
Hereditary cancer-predisposing syndrome. Also called: Neoplastic Syndromes, Hereditary; Tumor predisposition; Hereditary Cancer Syndrome; Hereditary neoplastic syndrome. Identifiers: Orphanet 140162, MedGen C0027672, MeSH D009386, MONDO:0015356.

Submission:

Ambry Genetics
Classification: Pathogenic for Hereditary cancer-predisposing syndrome. Last evaluated: 2017-04-17. Review status: criteria provided, single submitter. Criteria: Ambry Variant Classification Scheme 2023. Collection method: clinical testing. Allele origin: germline.
Comment: The c.3473_3476dupATTG pathogenic mutation (also known as p.W1159*), located in coding exon 13 of the PALB2 gene, results from a duplication of ATTG at nucleotide position 3473, causing a translational frameshift with a predicted alternate stop codon. This alteration is expected to result in loss of function by premature protein truncation. As such, this alteration is interpreted as a disease-causing mutation.